The following continues an entry in ClinVar:

NM_000257.4(MYH7):c.1357C>T (p.Arg453Cys)

Gene: MYH7. ClinVar aggregate classification (germline): Pathogenic. Pathogenic (1).

Submissions 8 to 20 of 30:

Victorian Clinical Genetics Services, Murdoch Childrens Research Institute
Classification: Pathogenic for Hypertrophic cardiomyopathy 1. Last evaluated: 2023-07-17. Review status: criteria provided, single submitter. Criteria: ACMG Guidelines, 2015. Collection method: clinical testing. Allele origin: germline. Inheritance: Autosomal dominant inheritance. Affected: yes. Not counted in ClinVar's aggregate classification.
Comment: Based on the classification scheme VCGS_Germline_v1.3.4, this variant is classified as Pathogenic. Following criteria are met: 0105 - The mechanism of disease for this gene is not clearly established; however, missense variants have been proposed to act in a dominant negative manner (PMID:24714796). (I) 0108 - This gene is associated with both recessive and dominant disease. Pathogenic variants in this gene are usually heterozygous; however, a recessive inheritance pattern has been observed in severe cases (OMIM). (I) 0112 - The condition associated with this gene has incomplete penetrance (PMID:29300372). (I) 0200 - Variant is predicted to result in a missense amino acid change from arginine to cysteine. (I) 0251 - This variant is heterozygous. (I) 0304 - Variant is present in gnomAD (v3) <0.01 (1 heterozygote, 0 homozygote). (SP) 0309 - An alternative amino acid change at the same position has been observed in gnomAD (v3) (1 heterozygote, 0 homozygote). (I) 0501 - Missense variant consistently predicted to be damaging by multiple in silico tools or highly conserved with a major amino acid change. (SP) 0602 - Variant is located in a hotspot region or cluster of pathogenic variants. This variant is found within the head region, which is enriched with pathogenic missense variants (PMID:29300372, DECIPHER). (SP) 0801 - This variant has very strong previous evidence of pathogenicity in unrelated individuals. This variant has been classified as pathogenic by an expert panel (ClinVar). (SP) 1208 - Inheritance information for this variant is not currently available in this individual. (I) Legend: (SP) - Supporting pathogenic, (I) - Information, (SB) - Supporting benign

Institute of Human Genetics Munich, TUM University Hospital
Classification: Pathogenic for Hypertrophic cardiomyopathy 1. Last evaluated: 2023-06-27. Review status: criteria provided, single submitter. Criteria: Classification criteria August 2017. Collection method: clinical testing. Allele origin: germline. Inheritance: Autosomal dominant inheritance. Affected: yes. Observed: 1 variant allele. Not counted in ClinVar's aggregate classification.

Clinical Center for Gene Diagnosis and Therapy, Department of Cardiovascular Surgery, The Second Xiangya Hospital of Central South University
Classification: Pathogenic for Primary familial hypertrophic cardiomyopathy. Last evaluated: 2023-06-01. Review status: criteria provided, single submitter. Criteria: ACMG Guidelines, 2015. Collection method: clinical testing. Allele origin: germline. Affected: yes. Not counted in ClinVar's aggregate classification.

Revvity Omics, Revvity
Classification: Pathogenic. Last evaluated: 2022-08-16. Review status: criteria provided, single submitter. Criteria: ACMG Guidelines, 2015. Collection method: clinical testing. Allele origin: germline. Not counted in ClinVar's aggregate classification.

GeneDx
Classification: Pathogenic. Last evaluated: 2022-03-01. Review status: criteria provided, single submitter. Criteria: GeneDx Variant Classification Process June 2021. Collection method: clinical testing. Allele origin: germline. Affected: yes. Not counted in ClinVar's aggregate classification.
Comment: Not observed in large population cohorts (gnomAD); Published functional studies demonstrate a damaging effect as reduced ATPase activity and enhanced calcium sensitivity result in a hyper-contractile state of the cardiac muscle (Palmer et al., 2004; Debold et al., 2007; Tajsharghi et al., 2008; Sommese et al., 2013; Bloemink et al., 2014); In silico analysis, which includes protein predictors and evolutionary conservation, supports a deleterious effect; Classified in ClinVar as a pathogenic variant by the ClinGen Inherited Cardiomyopathy Expert Panel (SCV000564414.4; ClinVar); This variant is associated with the following publications: (PMID: 17351073, 17495353, 15851227, 17599605, 16715312, 18175163, 12707239, 29029073, 1552912, 23283745, 12881443, 15358028, 23349452, 12951062, 15856146, 18365899, 15001446, 23798412, 10662815, 11133230, 27247418, 21310275, 27373729, 27532257, 9541100, 1739523, 24111713, 29300372, 8655135, 12975413, 29907873, 31513939, 32013205, 32283115, 24344137, 31006259, 33673806, 33586461)

Ambry Genetics
Classification: Pathogenic for Cardiovascular phenotype. Last evaluated: 2021-10-25. Review status: criteria provided, single submitter. Criteria: Ambry General Variant Classification Scheme_2022. Collection method: clinical testing. Allele origin: germline. Observed: 1 variant allele. Not counted in ClinVar's aggregate classification.
Comment: The p.R453C pathogenic mutation (also known as c.1357C>T), located in coding exon 12 of the MYH7 gene, results from a C to T substitution at nucleotide position 1357. The arginine at codon 453 is replaced by cysteine, an amino acid with highly dissimilar properties. This alteration is located in the myosin head domain, which contains a statistically significant clustering of pathogenic missense variants (Homburger JR et al. Proc Natl Acad Sci U S A, 2016 06;113:6701-6; Walsh R et al. Genet Med, 2017 02;19:192-203; Ambry internal data). This alteration has been reported in multiple unrelated individuals with hypertrophic cardiomyopathy (HCM) (Ackerman MJ et al. J Am Coll Cardiol. 2002;39(12): 2042-8; Garc&iacute;a-Castro M et al. Clin Chem. 2003;49(8):1279-85; Nanni L et al. Biochem Biophys Res Commun. 2003;309(2):391-8; Woo A et al. Heart. 2003;89(10):1179-85; Walsh R et al. Genet. Med., 2017 Feb;19:192-203), has been reported to segregate with disease in families (Watkins H et al. N Engl J Med. 1992;326(17):1108-14; Watkins H et al. Am J Hum Genet. 1993;53(6):1180-5; Ko YL et al. Hum Genet. 1996;97(5):585-90; Forissier JF et al. J Med Genet. 2000;37(2):132-4; Greber-Platzer S et al. J Mol Cell Cardiol. 2001;33(1):141-8), and has been reported as occurring de novo in an individual with HCM with restrictive features (Franaszczyk M et al. J Clin Med. 2020 Jan;9(2)). In addition, studies of mouse models harboring this alteration recapitulated HCM phenotype (Palmer BM et al. Am J Physiol Heart Circ Physiol. 2004;287(1):H91-9. Debold EP et al. Am J Physiol Heart Circ Physiol. 2007;293(1):H284-91). This variant is considered to be rare based on population cohorts in the Genome Aggregation Database (gnomAD). In addition, this alteration is predicted to be deleterious by in silico analysis. Based on the supporting evidence, this alteration is interpreted as a disease-causing mutation.

AiLife Diagnostics
Classification: Pathogenic. Last evaluated: 2021-05-28. Review status: criteria provided, single submitter. Criteria: ACMG Guidelines, 2015. Collection method: clinical testing. Allele origin: germline. Affected: yes. Observed: 1 variant allele. Not counted in ClinVar's aggregate classification.

Loeys Lab, Universiteit Antwerpen
Classification: Pathogenic for Primary dilated cardiomyopathy. Last evaluated: 2021-02-26. Review status: criteria provided, single submitter. Criteria: ACMG Guidelines, 2015. Collection method: clinical testing. Allele origin: somatic. Affected: yes. Observed: 1 variant allele, 1 heterozygote. Not counted in ClinVar's aggregate classification.
Comment: This sequence change results in a missense variant in the MYH7 gene (p.(Arg453Cys)). (PP2; based on GnomAd constraint matrix). This variant is absent from population databases such as GnomAD (PM2) . This variant has been described in literature in several unrelated individuals. Was found de novo in two children with HCM and showed coseggregation in >20 families (>10 individuals).(PMID:8655135; PMID:10662815; PMID: 11133230; PMID:12084606; PMID:12881443; PMID:12951062; PMID:12975413; PMID:15358028) (PP1; PS2). Functional data of homozygous and hetrozygous mice show that the variant significantly decreases the maximum rate if ATP turnover, resulting in a large increase in the maximal force-generating capacity (PMID: 17351073; PMID:15001446). Similar findings were present in a constructed human MYH7 protein (PMID: 23798412 )(PS3). The variant affects a highly conserved amino acid and another variant that disrupt this amino acid has been reported as pathogenic p.Arg453His (PM5). The variant is located in a region of the MYH7 known as a mutational-hotspot (PM1). Prediction programs all classify this variant as pathogenic (AlignGVGD: C65, pathogenic; Polyphen-2 HumDiv: probably damaging; Polyphen-2 HumVar: probably damaging;; SIFT:deleterious; MutationTaster: disease causing). (PP3). We identified this variant in a patients with familial DCM. In conclusion this variant was classified as pathogenic according to ACMG-guidelines (PS2,PS3, PM1, PM2,PM5,PP1,PP3).

CHEO Genetics Diagnostic Laboratory, Children's Hospital of Eastern Ontario
Classification: Pathogenic for Cardiomyopathy. Last evaluated: 2019-07-05. Review status: criteria provided, single submitter. Criteria: ACMG Guidelines, 2015. Collection method: clinical testing. Allele origin: germline. Not counted in ClinVar's aggregate classification.

Center for Human Genetics, University of Leuven
Classification: Pathogenic for Hypertrophic cardiomyopathy. Last evaluated: 2018-10-31. Review status: criteria provided, single submitter. Criteria: ACMG Guidelines, 2015. Collection method: clinical testing. Allele origin: germline. Affected: yes. Not counted in ClinVar's aggregate classification.

Molecular Diagnostic Laboratory for Inherited Cardiovascular Disease, Montreal Heart Institute
Classification: Pathogenic for Primary familial hypertrophic cardiomyopathy. Last evaluated: 2017-07-21. Review status: criteria provided, single submitter. Criteria: ACMG Guidelines, 2015. Collection method: clinical testing. Allele origin: germline. Affected: yes. Not counted in ClinVar's aggregate classification.

Knight Diagnostic Laboratories, Oregon Health and Sciences University
Classification: Pathogenic for Cardiomyopathy, hypertrophic. Last evaluated: 2016-02-10. Review status: criteria provided, single submitter. Criteria: ACMG Guidelines, 2015. Collection method: clinical testing. Allele origin: germline. Observed: 1 variant allele. Not counted in ClinVar's aggregate classification.

Laboratory for Molecular Medicine, Mass General Brigham Personalized Medicine
Classification: Pathogenic for Hypertrophic cardiomyopathy. Last evaluated: 2012-12-06. Review status: criteria provided, single submitter. Criteria: LMM Criteria. Collection method: clinical testing. Allele origin: germline. Inheritance: Autosomal dominant inheritance. Observed: 38 variant alleles. Not counted in ClinVar's aggregate classification.
Comment: The p.Arg453Cys variant in MYH7 has been identified in >20 families with HCM or RCM, segregated with disease in >10 affected members of several families, and oc curred de novo in 2 children with HCM (Ko 1996, Forissier 2000, Greber-Platzer 2 001, Ackerman 2002, Garcia-Castro 2003, Nanni 2003, Woo 2003, Van Driest 2004, P errot 2005, LMM unpublished data). It was absent from large population studies. In summary, this variant meets our criteria t o be classified as pathogenic for HCM in an autosomal dominant manner (w.) based upon segregation studies, de novo occurrences, and absence from controls.